The following is an entry in ClinVar:

NM_000234.3(LIG1):c.649C>G (p.Gln217Glu)

Gene: LIG1 (DNA ligase 1; minus strand). Cytogenetic location: 19q13.33.
Variant type: single nucleotide variant.
Coding change: c.649C>G on transcript NM_000234.3 (MANE Select); coding-DNA position 649, C replaced by G.
Protein change: p.Gln217Glu; replaces glutamine 217 with glutamic acid.
Molecular consequence: missense variant. On other transcripts: non-coding transcript variant (6).
Genome position (GRCh38, 1-based): chr19:48,150,136, G>C on the plus strand (C>G on the coding strand, the complement: LIG1 is on the minus strand). VCF-style: chr19-48150136-G-C. GRCh37 (hg19) VCF-style: chr19-48653393-G-C.
Other names: c.556C>G, p.Gln186Glu (NM_001289063.2); c.445C>G, p.Gln149Glu (NM_001289064.2); c.646C>G, p.Gln216Glu (NM_001320970.2); c.559C>G, p.Gln187Glu (NM_001320971.2); short protein forms Q149E, Q216E, Q217E, Q186E, Q187E.
Identifiers: ClinVar variation 1516609 (VCV001516609.8), dbSNP rs780275052, ClinGen allele CA9547190.
Genomic context (GRCh38, chr19:48,150,136, plus strand): 5'-AGGGAAACTCACTGAAGAAGCTGCTGAGCGTCTTGGGAGCTCTGCGGGGAGGCTTGGTCT[G>C]CTCTTCCTCCTCCTGCAGTTCCTGCTTCGTGGCCACCTCAGGCTCTGAAACGCTTTCCGT-3'
Protein context (NP_000225.1, residues 207-227): TKQELQEEEE[Gln217Glu]TKPPRRAPKT

ClinVar aggregate classification (germline): Uncertain significance (1 of 4 stars; one submission).

Allele frequency attached by ClinVar (database versions not stated): gnomAD exomes below 0.00001; ExAC 0.00001.

Submission:

Labcorp Genetics (formerly Invitae), Labcorp
Classification: Uncertain significance. Last evaluated: 2025-10-12. Review status: criteria provided, single submitter. Criteria: Invitae Variant Classification Sherloc (09022015). Collection method: clinical testing. Allele origin: germline.
Comment: This sequence change replaces glutamine, which is neutral and polar, with glutamic acid, which is acidic and polar, at codon 217 of the LIG1 protein (p.Gln217Glu). This variant is present in population databases (rs780275052, gnomAD 0.004%). This variant has not been reported in the literature in individuals affected with LIG1-related conditions. ClinVar contains an entry for this variant (Variation ID: 1516609). An algorithm developed to predict the effect of missense changes on protein structure and function (PolyPhen-2) suggests that this variant is likely to be tolerated. In summary, the available evidence is currently insufficient to determine the role of this variant in disease. Therefore, it has been classified as a Variant of Uncertain Significance.